The following is an entry in ClinVar:

ClinVar aggregate classification (germline): Pathogenic (1 of 4 stars; one submission).

Conditions:
Lethal multiple pterygium syndrome (LMPS). Identifiers: Orphanet 33108, MedGen C1854678, MONDO:0009668, OMIM 253290.

Allele frequency attached by ClinVar (database versions not stated): ExAC 0.00001.
gnomAD v4.1: 2 of 1,613,660 alleles (0.00012%); highest among the groups gnomAD compares: East Asian, 0.0022%; no homozygotes.

Submission:

Labcorp Genetics (formerly Invitae), Labcorp
Classification: Pathogenic for Lethal multiple pterygium syndrome. Last evaluated: 2023-04-14. Review status: criteria provided, single submitter. Criteria: Invitae Variant Classification Sherloc (09022015). Collection method: clinical testing. Allele origin: germline.
Comment: For these reasons, this variant has been classified as Pathogenic. ClinVar contains an entry for this variant (Variation ID: 2169508). This premature translational stop signal has been observed in individual(s) with autosomal recessive congenital myasthenic syndrome (PMID: 29390429). This variant is present in population databases (rs764374927, gnomAD 0.006%). This sequence change creates a premature translational stop signal (p.Trp20*) in the CHRND gene. It is expected to result in an absent or disrupted protein product. Loss-of-function variants in CHRND are known to be pathogenic (PMID: 11435464, 25264167).

Literature cited by the submitters: PubMed 29390429; PubMed 11435464; PubMed 25264167.

NM_000751.3(CHRND):c.59G>A (p.Trp20Ter)

Gene: CHRND (cholinergic receptor nicotinic delta subunit; plus strand). Cytogenetic location: 2q37.1.
Variant type: single nucleotide variant.
Coding change: c.59G>A on transcript NM_000751.3 (MANE Select); coding-DNA position 59, G replaced by A.
Protein change: p.Trp20Ter; replaces tryptophan 20 with a stop codon.
Molecular consequence: nonsense. On other transcripts: 5 prime UTR variant (2).
Genome position (GRCh38, 1-based): chr2:232,526,535, G>A. VCF-style: chr2-232526535-G-A. GRCh37 (hg19) VCF-style: chr2-233391245-G-A.
Other names: c.59G>A, p.Trp20Ter (NM_001256657.2); c.-213G>A (NM_001311195.2, NM_001311196.2); short protein forms W20*.
Identifiers: ClinVar variation 2169508 (VCV002169508.4), dbSNP rs764374927, ClinGen allele CA2167890.